The following is an entry in ClinVar:

NM_001347674.1(KRTAP5-4):c.115G>A (p.Gly39Ser)

Gene: KRTAP5-4 (keratin associated protein 5-4; minus strand). Cytogenetic location: 11p15.5.
Variant type: single nucleotide variant.
Coding change: c.115G>A on transcript NM_001347674.1 (MANE Select); coding-DNA position 115, G replaced by A.
Protein change: p.Gly39Ser; replaces glycine 39 with serine.
Molecular consequence: missense variant.
Genome position (GRCh38, 1-based): chr11:1,621,979, C>T on the plus strand (G>A on the coding strand, the complement: KRTAP5-4 is on the minus strand). VCF-style: chr11-1621979-C-T. GRCh37 (hg19) VCF-style: chr11-1643209-C-T.
Other names: c.115G>A (NM_001012709.1); short protein forms G39S.
Identifiers: ClinVar variation 4045586 (VCV004045586.1).
Genomic context (GRCh38, chr11:1,621,979, plus strand): 5'-CAGGTTTGCAGCAGCAGATGGGCACACAGCAGCTGGAGCCACAGCCCCCACAGCCGGAGC[C>T]ACAGCCCCCACAGCCGGAGCCACAGCCCCCACAGCCAGAGCCACAGCCCCCACAGCCGGA-3'
Protein context (NP_001334603.1, residues 29-49): GGCGSGCGGC[Gly39Ser]SGCGGCGSSC

ClinVar aggregate classification (germline): Uncertain significance (1 of 4 stars; one submission).

Submission:

Ambry Genetics
Classification: Uncertain significance. Last evaluated: 2025-04-10. Review status: criteria provided, single submitter. Criteria: Ambry Variant Classification Scheme 2023. Collection method: clinical testing. Allele origin: germline.
Comment: The c.115G>A (p.G39S) alteration is located in exon (coding exon ) of the KRTAP5-4 gene. This alteration results from a G to A substitution at nucleotide position 115, causing the glycine (G) at amino acid position 39 to be replaced by a serine (S). Based on insufficient or conflicting evidence, the clinical significance of this alteration remains unclear.